The following is an entry in ClinVar:

NM_000038.6(APC):c.5102A>G (p.Gln1701Arg)

Gene: APC (APC regulator of Wnt signaling pathway; plus strand). Cytogenetic location: 5q22.2.
Variant type: single nucleotide variant.
Coding change: c.5102A>G on transcript NM_000038.6 (MANE Select); coding-DNA position 5102, A replaced by G.
Protein change: p.Gln1701Arg; replaces glutamine 1701 with arginine.
Molecular consequence: missense variant. On other transcripts: non-coding transcript variant (2).
Genome position (GRCh38, 1-based): chr5:112,840,696, A>G. VCF-style: chr5-112840696-A-G. GRCh37 (hg19) VCF-style: chr5-112176393-A-G.
Other names: c.5102A>G, p.Gln1701Arg (NM_001127510.3, NM_001354895.2, NM_001407450.1); c.5048A>G, p.Gln1683Arg (NM_001127511.3); c.5156A>G, p.Gln1719Arg (NM_001354896.2, NM_001407447.1, NM_001407448.1 and 1 more transcripts); c.5132A>G, p.Gln1711Arg (NM_001354897.2); c.5027A>G, p.Gln1676Arg (NM_001354898.2); c.5018A>G, p.Gln1673Arg (NM_001354899.2); c.4979A>G, p.Gln1660Arg (NM_001354900.2); c.4925A>G, p.Gln1642Arg (NM_001354901.2, NM_001407453.1); and 12 more; short protein forms Q1317R, Q1418R, Q1541R, Q1572R, Q1575R, Q1600R, Q1610R, Q1618R.
Identifiers: ClinVar variation 4757849 (VCV004757849.2).
Genomic context (GRCh38, chr5:112,840,696, plus strand): 5'-CAGGTGAATTTGAAAAACGAGATACCATTCCTACAGAAGGCAGAAGTACAGATGAGGCTC[A>G]AGGAGGAAAAACCTCATCTGTAACCATACCTGAATTGGATGACAATAAAGCAGAGGAAGG-3'
Protein context (NP_000029.2, residues 1691-1711): PTEGRSTDEA[Gln1701Arg]GGKTSSVTIP

ClinVar aggregate classification (germline): Uncertain significance. Review status: criteria provided, multiple submitters, no conflicts (2 of 4 stars). 2 submissions from 2 submitters: Uncertain significance (2). Last evaluated 2025-12-16.

Conditions:
Hereditary cancer-predisposing syndrome. Also called: Neoplastic Syndromes, Hereditary; Hereditary neoplastic syndrome; Tumor predisposition; Hereditary Cancer Syndrome. Identifiers: Orphanet 140162, MedGen C0027672, MeSH D009386, MONDO:0015356.

Submissions (2):

Ambry Genetics
Classification: Uncertain significance for Hereditary cancer-predisposing syndrome. Last evaluated: 2025-12-16. Review status: criteria provided, single submitter. Criteria: Ambry Variant Classification Scheme 2023. Collection method: clinical testing. Allele origin: germline.
Comment: The p.Q1701R variant (also known as c.5102A>G), located in coding exon 15 of the APC gene, results from an A to G substitution at nucleotide position 5102. The glutamine at codon 1701 is replaced by arginine, an amino acid with highly similar properties. This amino acid position is conserved. In addition, in silico predictors for this gene do not accurately predict pathogenicity. Based on the available evidence, the clinical significance of this variant remains unclear.

Color Diagnostics, LLC DBA Color Health
Classification: Uncertain significance for Hereditary cancer-predisposing syndrome. Last evaluated: 2025-08-27. Review status: criteria provided, single submitter. Criteria: ACMG Guidelines, 2015. Collection method: clinical testing. Allele origin: germline.
Comment: This missense variant replaces glutamine with arginine at codon 1701 of the APC protein. Computational prediction suggests that this variant may not impact protein structure and function. APC is defined as a gene for which primarily truncating variants are known to cause disease (ClinGen HCCP VCEP). To our knowledge, functional studies have not been reported for this variant. This variant has not been reported in individuals affected with APC-related disorders in the literature. This variant has not been identified in the general population by the Genome Aggregation Database (gnomAD). The available evidence is insufficient to determine the role of this variant in disease conclusively. Therefore, this variant is classified as a Variant of Uncertain Significance.